The following is an entry in ClinVar:

NM_006005.3(WFS1):c.882C>A (p.His294Gln)

Gene: WFS1 (wolframin ER transmembrane glycoprotein; plus strand). Cytogenetic location: 4p16.1.
Variant type: single nucleotide variant.
Coding change: c.882C>A on transcript NM_006005.3 (MANE Select); coding-DNA position 882, C replaced by A.
Protein change: p.His294Gln; replaces histidine 294 with glutamine.
Molecular consequence: missense variant.
Genome position (GRCh38, 1-based): chr4:6,300,677, C>A. VCF-style: chr4-6300677-C-A. GRCh37 (hg19) VCF-style: chr4-6302404-C-A.
Other names: c.882C>A, p.His294Gln (NM_001145853.1); short protein forms H294Q.
Identifiers: ClinVar variation 2977516 (VCV002977516.4), dbSNP rs571928866, ClinGen allele CA2839137.
Genomic context (GRCh38, chr4:6,300,677, plus strand): 5'-CCTGTCCCAGCCTCGTTCCCACGTACCATCTTTCCCCCAGGTGGTCAAGTACCCCCTGCA[C>A]GCCATCATGGAGATCAAGGAGTACCTGATTGACATGGCCTCCAGGGCAGGCATGCACTGG-3'
Protein context (NP_005996.2, residues 284-304): LRLKVVKYPL[His294Gln]AIMEIKEYLI

ClinVar aggregate classification (germline): Uncertain significance. Review status: criteria provided, multiple submitters, no conflicts (2 of 4 stars). 2 submissions from 2 submitters: Uncertain significance (2). Last evaluated 2024-03-08.

Conditions:
Autosomal dominant nonsyndromic hearing loss 6 (LFSNHL). Also called: Autosomal dominant nonsyndromic deafness 6; DEAFNESS, AUTOSOMAL DOMINANT 6; DEAFNESS, AUTOSOMAL DOMINANT 14; DEAFNESS, AUTOSOMAL DOMINANT 38. Identifiers: Orphanet 90635, MedGen C1833021, MONDO:0010963, OMIM 600965.
Wolfram-like syndrome. Also called: HEARING LOSS, PROGRESSIVE, WITH OPTIC ATROPHY AND/OR IMPAIRED GLUCOSE REGULATION. Identifiers: Orphanet 411590, MedGen C3280358, MONDO:0013673, OMIM 614296.
Cataract 41 (CTRCT41). Also called: CATARACT 41, CONGENITAL NUCLEAR TYPE. Identifiers: Orphanet 91492, Orphanet 98991, Orphanet 98992, Orphanet 98995, MedGen C3805412, MONDO:0007287, OMIM 116400.
Type 2 diabetes mellitus. Also called: Type II diabetes mellitus. Identifiers: MedGen C0011860, MeSH D003924, MONDO:0005148, OMIM 125853, HP:0005978.
Wolfram syndrome 1 (WFS1). Identifiers: Orphanet 3463, MedGen C4551693, MONDO:0009101, OMIM 222300.

gnomAD v4.1: 1 of 1,614,020 alleles (0.000062%); highest among the groups gnomAD compares: African/African-American, 0.0013%; no homozygotes.

Submissions (2):

Fulgent Genetics
Classification: Uncertain significance for Cataract 41; Type 2 diabetes mellitus; Wolfram syndrome 1; Autosomal dominant nonsyndromic hearing loss 6; Wolfram-like syndrome. Last evaluated: 2024-03-08. Review status: criteria provided, single submitter. Criteria: ACMG Guidelines, 2015. Collection method: clinical testing. Allele origin: germline.

Labcorp Genetics (formerly Invitae), Labcorp
Classification: Uncertain significance. Last evaluated: 2024-01-04. Review status: criteria provided, single submitter. Criteria: Invitae Variant Classification Sherloc (09022015). Collection method: clinical testing. Allele origin: germline.
Comment: This sequence change replaces histidine, which is basic and polar, with glutamine, which is neutral and polar, at codon 294 of the WFS1 protein (p.His294Gln). This variant is present in population databases (rs571928866, gnomAD 0.007%). This variant has not been reported in the literature in individuals affected with WFS1-related conditions. Advanced modeling of protein sequence and biophysical properties (such as structural, functional, and spatial information, amino acid conservation, physicochemical variation, residue mobility, and thermodynamic stability) performed at Invitae indicates that this missense variant is not expected to disrupt WFS1 protein function with a negative predictive value of 95%. In summary, the available evidence is currently insufficient to determine the role of this variant in disease. Therefore, it has been classified as a Variant of Uncertain Significance.